The following is an entry in ClinVar:

ClinVar aggregate classification (germline): Uncertain significance. Review status: criteria provided, single submitter (1 of 4 stars). 2 submissions from 2 submitters: Uncertain significance (1). 1 of the submissions does not count toward it. Last evaluated 2024-10-16.

Conditions:
Joubert syndrome. Also called: Familial aplasia of the vermis; CEREBELLOPARENCHYMAL DISORDER IV; JOUBERT-BOLTSHAUSER SYNDROME. Identifiers: Orphanet 475, MedGen C5979921, MONDO:0018772.
Meckel-Gruber syndrome. Also called: Dysencephalia splachnocystica; DYSENCEPHALIA SPLANCHNOCYSTICA; GRUBER SYNDROME. Identifiers: Orphanet 564, MedGen C0265215, MONDO:0018921.
Nephronophthisis. Also called: Juvenile Nephronophthisis. Identifiers: Orphanet 655, MedGen C0687120, MONDO:0019005, HP:0000090.
Leber congenital amaurosis (LCA). Also called: Leber's amaurosis. Identifiers: Orphanet 65, MedGen C0339527, MeSH D057130, MONDO:0018998.

Submissions (2):

Labcorp Genetics (formerly Invitae), Labcorp
Classification: Uncertain significance for Joubert syndrome; Meckel-Gruber syndrome; Nephronophthisis. Last evaluated: 2024-10-16. Review status: criteria provided, single submitter. Criteria: Invitae Variant Classification Sherloc (09022015). Collection method: clinical testing. Allele origin: germline.
Comment: This sequence change replaces histidine, which is basic and polar, with proline, which is neutral and non-polar, at codon 2183 of the CEP290 protein (p.His2183Pro). This variant is not present in population databases (gnomAD no frequency). This variant has not been reported in the literature in individuals affected with CEP290-related conditions. ClinVar contains an entry for this variant (Variation ID: 1019324). Invitae Evidence Modeling of protein sequence and biophysical properties (such as structural, functional, and spatial information, amino acid conservation, physicochemical variation, residue mobility, and thermodynamic stability) indicates that this missense variant is not expected to disrupt CEP290 protein function with a negative predictive value of 80%. In summary, the available evidence is currently insufficient to determine the role of this variant in disease. Therefore, it has been classified as a Variant of Uncertain Significance.

Natera, Inc.
Classification: Uncertain significance for Leber congenital amaurosis. Last evaluated: 2020-06-26. Review status: no assertion criteria provided. Collection method: clinical testing. Allele origin: germline. Not counted in ClinVar's aggregate classification.

NM_025114.4(CEP290):c.6548A>C (p.His2183Pro)

Gene: CEP290 (centrosomal protein 290; minus strand). Cytogenetic location: 12q21.32.
Variant type: single nucleotide variant.
Coding change: c.6548A>C on transcript NM_025114.4 (MANE Select); coding-DNA position 6548, A replaced by C.
Protein change: p.His2183Pro; replaces histidine 2183 with proline.
Molecular consequence: missense variant.
Genome position (GRCh38, 1-based): chr12:88,059,995, T>G on the plus strand (A>C on the coding strand, the complement: CEP290 is on the minus strand). VCF-style: chr12-88059995-T-G. GRCh37 (hg19) VCF-style: chr12-88453772-T-G.
Other names: short protein forms H2183P.
Identifiers: ClinVar variation 1019324 (VCV001019324.13), dbSNP rs2034340081, ClinGen allele CA385978334.